The following is an entry in ClinVar:

ClinVar aggregate classification (germline): Likely benign (1 of 4 stars; one submission).

Conditions:
Juvenile polyposis syndrome (JPS). Identifiers: Orphanet 2929, MedGen C0345893, MONDO:0017380, OMIM 174900.

Submission:

Myriad Genetics, Inc.
Classification: Likely benign for Juvenile polyposis syndrome. Last evaluated: 2024-08-02. Review status: criteria provided, single submitter. Criteria: Myriad Autosomal Dominant, Autosomal Recessive and X-Linked Classification Criteria (2023). Collection method: clinical testing. Allele origin: unknown.
Comment: This variant is considered likely benign. This variant is intronic and is not expected to impact mRNA splicing.

NM_004329.3(BMPR1A):c.675+7del

Gene: BMPR1A (bone morphogenetic protein receptor type 1A; plus strand). Cytogenetic location: 10q23.2.
Variant type: Deletion.
Coding change: c.675+7del on transcript NM_004329.3 (MANE Select); 7 bases into the intron after coding-DNA position 675, one base deleted (T; older notation c.675+7delT).
Molecular consequence: intron variant.
Genome position (GRCh38, 1-based): chr10:86,912,391, T deleted; the last of 2 consecutive T bases (chr10:86,912,390-86,912,391); deleting either gives the same sequence. VCF-style (leftmost placement, unchanged base first): chr10-86912389-GT-G. GRCh37 (hg19) VCF-style: chr10-88672146-GT-G.
Other names: c.675+7del (NM_001406570.1, NM_001406565.1, NM_001406574.1 and 20 more transcripts); c.591+7del (NM_001406584.1, NM_001406588.1, NM_001406587.1 and 2 more transcripts); c.723+7del (NM_001406560.1); c.750+7del (NM_001406559.1); c.334-4743del (NM_001406589.1).
Identifiers: ClinVar variation 3379018 (VCV003379018.1).